The following is an entry in ClinVar:

ClinVar aggregate classification (germline): Uncertain significance. Review status: criteria provided, multiple submitters, no conflicts (2 of 4 stars). 2 submissions from 2 submitters: Uncertain significance (2). Last evaluated 2025-08-17.

Allele frequency attached by ClinVar (database versions not stated): ExAC 0.00002; gnomAD 0.00002; gnomAD exomes 0.00002; TOPMed 0.00004.
gnomAD v4.1: 23 of 1,614,090 alleles (0.0014%); highest among the groups gnomAD compares: East Asian, 0.0089%; no homozygotes.

Submissions (2):

Labcorp Genetics (formerly Invitae), Labcorp
Classification: Uncertain significance. Last evaluated: 2025-08-17. Review status: criteria provided, single submitter. Criteria: Invitae Variant Classification Sherloc (09022015). Collection method: clinical testing. Allele origin: germline.
Comment: This sequence change replaces tyrosine, which is neutral and polar, with cysteine, which is neutral and slightly polar, at codon 176 of the PRPF6 protein (p.Tyr176Cys). This variant is present in population databases (rs758309604, gnomAD 0.02%). This variant has not been reported in the literature in individuals affected with PRPF6-related conditions. ClinVar contains an entry for this variant (Variation ID: 965695). Invitae Evidence Modeling of protein sequence and biophysical properties (such as structural, functional, and spatial information, amino acid conservation, physicochemical variation, residue mobility, and thermodynamic stability) indicates that this missense variant is not expected to disrupt PRPF6 protein function with a negative predictive value of 80%. In summary, the available evidence is currently insufficient to determine the role of this variant in disease. Therefore, it has been classified as a Variant of Uncertain Significance.

Ambry Genetics
Classification: Uncertain significance. Last evaluated: 2024-08-28. Review status: criteria provided, single submitter. Criteria: Ambry Variant Classification Scheme 2023. Collection method: clinical testing. Allele origin: germline.

NM_012469.4(PRPF6):c.527A>G (p.Tyr176Cys)

Gene: PRPF6 (pre-mRNA processing factor 6; plus strand). Cytogenetic location: 20q13.33.
Variant type: single nucleotide variant.
Coding change: c.527A>G on transcript NM_012469.4 (MANE Select); coding-DNA position 527, A replaced by G.
Protein change: p.Tyr176Cys; replaces tyrosine 176 with cysteine.
Molecular consequence: missense variant.
Genome position (GRCh38, 1-based): chr20:63,995,004, A>G. VCF-style: chr20-63995004-A-G. GRCh37 (hg19) VCF-style: chr20-62626357-A-G.
Other names: short protein forms Y176C.
Identifiers: ClinVar variation 965695 (VCV000965695.10), dbSNP rs758309604, ClinGen allele CA9971928.